The following is an entry in ClinVar:

ClinVar aggregate classification (germline): Conflicting classifications of pathogenicity. Review status: criteria provided, conflicting classifications (1 of 4 stars). 4 submissions from 4 submitters: Uncertain significance (3); Likely benign (1). Last evaluated 2025-12-15.

Conditions:
Inborn genetic diseases. Identifiers: MedGen C0950123, MeSH D030342.
Developmental and epileptic encephalopathy, 46 (DEE46). Also called: GRIN2D-Related Developmental and Epileptic Encephalopathy; Epileptic encephalopathy, early infantile, 46. Identifiers: MedGen C4310687, MONDO:0014947, OMIM 617162.
GRIN2D-related disorder. Also called: GRIN2D-related condition.

Allele frequency attached by ClinVar (database versions not stated): gnomAD exomes below 0.00001; TOPMed below 0.00001.
gnomAD v4.1: 2 of 1,161,658 alleles (0.00017%); highest among the groups gnomAD compares: Non-Finnish European, 0.00011%; no homozygotes.

Submissions (4):

Labcorp Genetics (formerly Invitae), Labcorp
Classification: Uncertain significance. Last evaluated: 2025-12-15. Review status: criteria provided, single submitter. Criteria: Invitae Variant Classification Sherloc (09022015). Collection method: clinical testing. Allele origin: germline.
Comment: This sequence change replaces arginine, which is basic and polar, with glutamine, which is neutral and polar, at codon 1223 of the GRIN2D protein (p.Arg1223Gln). The frequency data for this variant in the population databases is considered unreliable, as metrics indicate insufficient coverage at this position in the gnomAD database. This variant has not been reported in the literature in individuals affected with GRIN2D-related conditions. ClinVar contains an entry for this variant (Variation ID: 2148409). Invitae Evidence Modeling of protein sequence and biophysical properties (such as structural, functional, and spatial information, amino acid conservation, physicochemical variation, residue mobility, and thermodynamic stability) indicates that this missense variant is not expected to disrupt GRIN2D protein function with a negative predictive value of 95%. In summary, the available evidence is currently insufficient to determine the role of this variant in disease. Therefore, it has been classified as a Variant of Uncertain Significance.

Ambry Genetics
Classification: Uncertain significance for Inborn genetic diseases. Last evaluated: 2025-08-29. Review status: criteria provided, single submitter. Criteria: Ambry Variant Classification Scheme 2023. Collection method: clinical testing. Allele origin: germline.

PreventionGenetics, part of Exact Sciences
Classification: Likely benign for GRIN2D-related condition. Last evaluated: 2025-01-25. Review status: criteria provided, single submitter. Criteria: ACMG Guidelines, 2015. Collection method: clinical testing. Allele origin: germline.
Comment: This variant is classified as likely benign based on ACMG/AMP sequence variant interpretation guidelines (Richards et al. 2015 PMID: 25741868, with internal and published modifications).

Department of Pathology and Laboratory Medicine, Sinai Health System
Classification: Uncertain significance for Developmental and epileptic encephalopathy, 46. Last evaluated: 2023-09-06. Review status: criteria provided, single submitter. Criteria: ACMG Guidelines, 2015. Collection method: research. Allele origin: germline.

NM_000836.4(GRIN2D):c.3668G>A (p.Arg1223Gln)

Gene: GRIN2D (glutamate ionotropic receptor NMDA type subunit 2D; plus strand). Cytogenetic location: 19q13.33.
Variant type: single nucleotide variant.
Coding change: c.3668G>A on transcript NM_000836.4 (MANE Select); coding-DNA position 3668, G replaced by A.
Protein change: p.Arg1223Gln; replaces arginine 1223 with glutamine.
Molecular consequence: missense variant.
Genome position (GRCh38, 1-based): chr19:48,443,594, G>A. VCF-style: chr19-48443594-G-A. GRCh37 (hg19) VCF-style: chr19-48946851-G-A.
Other names: c.3668G>A (NM_000836.2); short protein forms R1223Q.
Identifiers: ClinVar variation 2148409 (VCV002148409.7), dbSNP rs1481925333, ClinGen allele CA406677448.